The following is an entry in ClinVar:

ClinVar aggregate classification (germline): Uncertain significance (1 of 4 stars; one submission).

Conditions:
Gastrointestinal stromal tumor. Also called: Gastrointestinal stroma tumor; Gastrointestinal stromal tumor, somatic. Identifiers: Orphanet 44890, MedGen C0238198, MeSH D046152, MONDO:0011719, OMIM 606764, HP:0100723.

Submission:

Labcorp Genetics (formerly Invitae), Labcorp
Classification: Uncertain significance for Gastrointestinal stromal tumor. Last evaluated: 2021-05-13. Review status: criteria provided, single submitter. Criteria: Invitae Variant Classification Sherloc (09022015). Collection method: clinical testing. Allele origin: germline.
Comment: This variant has not been reported in the literature in individuals with PDGFRA-related conditions. This variant is not present in population databases (ExAC no frequency). This sequence change replaces asparagine with serine at codon 689 of the PDGFRA protein (p.Asn689Ser). The asparagine residue is highly conserved and there is a small physicochemical difference between asparagine and serine. Algorithms developed to predict the effect of missense changes on protein structure and function are either unavailable or do not agree on the potential impact of this missense change (SIFT: "Deleterious"; PolyPhen-2: "Possibly Damaging"; Align-GVGD: "Class C0"). In summary, the available evidence is currently insufficient to determine the role of this variant in disease. Therefore, it has been classified as a Variant of Uncertain Significance.

NM_006206.6(PDGFRA):c.2066A>G (p.Asn689Ser)

Gene: PDGFRA (platelet derived growth factor receptor alpha; plus strand). Cytogenetic location: 4q12.
Variant type: single nucleotide variant.
Coding change: c.2066A>G on transcript NM_006206.6 (MANE Select); coding-DNA position 2066, A replaced by G.
Protein change: p.Asn689Ser; replaces asparagine 689 with serine.
Molecular consequence: missense variant.
Genome position (GRCh38, 1-based): chr4:54,278,425, A>G. VCF-style: chr4-54278425-A-G. GRCh37 (hg19) VCF-style: chr4-55144592-A-G.
Other names: c.2066A>G, p.Asn689Ser (NM_001347827.2, NM_001347829.2); c.2141A>G, p.Asn714Ser (NM_001347828.2); c.2105A>G, p.Asn702Ser (NM_001347830.2); short protein forms N702S, N689S, N714S.
Identifiers: ClinVar variation 1468086 (VCV001468086.8), dbSNP rs2110315707, ClinGen allele CA356893966.